The following is an entry in ClinVar:

ClinVar aggregate classification (germline): Likely benign (0 of 4 stars; one submission).

Conditions:
TCTE1-related disorder. Also called: TCTE1-related condition.

Allele frequency attached by ClinVar (database versions not stated): 1000 Genomes Project 30x 0.00125; 1000 Genomes Project 0.00140; gnomAD 0.00148; TOPMed 0.00152; ExAC 0.00160; gnomAD exomes 0.00251; ESP Exome Variant Server 0.00277.
gnomAD v4.1: 3,846 of 1,611,492 alleles (0.24%); highest among the groups gnomAD compares: Non-Finnish European, 0.29%; 2 homozygotes.

Submission:

PreventionGenetics, part of Exact Sciences
Classification: Likely benign for TCTE1-related condition. Last evaluated: 2023-02-16. Review status: no assertion criteria provided. Collection method: clinical testing. Allele origin: germline.
Comment: This variant is classified as likely benign based on ACMG/AMP sequence variant interpretation guidelines (Richards et al. 2015 PMID: 25741868, with internal and published modifications).

NM_182539.4(DRC5):c.928G>A (p.Glu310Lys)

Gene: DRC5 (dynein regulatory complex subunit 5; minus strand). Cytogenetic location: 6p21.1.
Variant type: single nucleotide variant.
Coding change: c.928G>A on transcript NM_182539.4 (MANE Select); coding-DNA position 928, G replaced by A.
Protein change: p.Glu310Lys; replaces glutamic acid 310 with lysine.
Molecular consequence: missense variant.
Genome position (GRCh38, 1-based): chr6:44,282,478, C>T on the plus strand (G>A on the coding strand, the complement: DRC5 is on the minus strand). VCF-style: chr6-44282478-C-T. GRCh37 (hg19) VCF-style: chr6-44250215-C-T.
Other names: short protein forms E310K.
Identifiers: ClinVar variation 3043501 (VCV003043501.2), dbSNP rs146833594, ClinGen allele CA3833523.